The following is an entry in ClinVar:

ClinVar aggregate classification (germline): Conflicting classifications of pathogenicity. Review status: criteria provided, conflicting classifications (1 of 4 stars). 4 submissions from 4 submitters: Uncertain significance (3); Benign (1). Last evaluated 2025-12-01.

Conditions:
Hereditary cancer-predisposing syndrome. Also called: Hereditary neoplastic syndrome; Tumor predisposition; Neoplastic Syndromes, Hereditary; Hereditary Cancer Syndrome. Identifiers: Orphanet 140162, MedGen C0027672, MeSH D009386, MONDO:0015356.
Tuberous sclerosis 2 (TSC2). Identifiers: Orphanet 805, MedGen C1860707, MONDO:0013199, OMIM 613254.

Allele frequency attached by ClinVar (database versions not stated): TOPMed 0.00001.
gnomAD v4.1: 3 of 1,597,336 alleles (0.00019%); highest among the groups gnomAD compares: Non-Finnish European, 0.00026%; no homozygotes.

Submissions (4):

Labcorp Genetics (formerly Invitae), Labcorp
Classification: Benign for Tuberous sclerosis 2. Last evaluated: 2025-12-01. Review status: criteria provided, single submitter. Criteria: Invitae Variant Classification Sherloc (09022015). Collection method: clinical testing. Allele origin: germline.

Ambry Genetics
Classification: Uncertain significance for Hereditary cancer-predisposing syndrome. Last evaluated: 2025-07-19. Review status: criteria provided, single submitter. Criteria: Ambry Variant Classification Scheme 2023. Collection method: clinical testing. Allele origin: germline.
Comment: The p.P685R variant (also known as c.2054C>G), located in coding exon 18 of the TSC2 gene, results from a C to G substitution at nucleotide position 2054. The proline at codon 685 is replaced by arginine, an amino acid with dissimilar properties. This amino acid position is highly conserved in available vertebrate species. In addition, this alteration is predicted to be deleterious by in silico analysis. Since supporting evidence is limited at this time, the clinical significance of this alteration remains unclear.

GeneDx
Classification: Uncertain significance. Last evaluated: 2022-09-15. Review status: criteria provided, single submitter. Criteria: GeneDx Variant Classification Process June 2021. Collection method: clinical testing. Allele origin: germline. Affected: yes.
Comment: Not observed at significant frequency in large population cohorts (gnomAD); In silico analysis supports that this missense variant has a deleterious effect on protein structure/function; Observed in a patient with autism spectrum disorder (Saskin et al., 2017); This variant is associated with the following publications: (PMID: 30842500, 28250423)

Genome-Nilou Lab
Classification: Uncertain significance for Tuberous sclerosis 2. Last evaluated: 2021-11-07. Review status: criteria provided, single submitter. Criteria: ACMG Guidelines, 2015. Collection method: clinical testing. Allele origin: germline. Affected: no.

NM_000548.5(TSC2):c.2054C>G (p.Pro685Arg)

Gene: TSC2 (TSC complex subunit 2; plus strand). Cytogenetic location: 16p13.3.
Variant type: single nucleotide variant.
Coding change: c.2054C>G on transcript NM_000548.5 (MANE Select); coding-DNA position 2054, C replaced by G.
Protein change: p.Pro685Arg; replaces proline 685 with arginine.
Molecular consequence: missense variant.
Genome position (GRCh38, 1-based): chr16:2,071,891, C>G. VCF-style: chr16-2071891-C-G. GRCh37 (hg19) VCF-style: chr16-2121892-C-G.
Other names: c.2054C>G, p.Pro685Arg (NM_001077183.3, NM_001114382.3, NM_001363528.2 and 3 more transcripts); c.1943C>G, p.Pro648Arg (NM_001318827.2); c.1907C>G, p.Pro636Arg (NM_001318829.2); c.1454C>G, p.Pro485Arg (NM_001318831.2); c.2087C>G, p.Pro696Arg (NM_001318832.2); short protein forms P685R, P485R, P636R, P696R, P648R.
Identifiers: ClinVar variation 382914 (VCV000382914.17), dbSNP rs959165669, ClinGen allele CA16606930.